The following is an entry in ClinVar:

NM_024422.6(DSC2):c.665C>T (p.Thr222Ile)

Gene: DSC2 (desmocollin 2; minus strand). Cytogenetic location: 18q12.1.
Variant type: single nucleotide variant.
Coding change: c.665C>T on transcript NM_024422.6 (MANE Select); coding-DNA position 665, C replaced by T.
Protein change: p.Thr222Ile; replaces threonine 222 with isoleucine.
Molecular consequence: missense variant.
Genome position (GRCh38, 1-based): chr18:31,087,779, G>A on the plus strand (C>T on the coding strand, the complement: DSC2 is on the minus strand). VCF-style: chr18-31087779-G-A. GRCh37 (hg19) VCF-style: chr18-28667742-G-A.
Other names: c.665C>T, p.Thr222Ile (NM_004949.5); short protein forms T222I.
Identifiers: ClinVar variation 1332570 (VCV001332570.6), dbSNP rs1987453864, ClinGen allele CA402113029.

ClinVar aggregate classification (germline): Uncertain significance. Review status: criteria provided, multiple submitters, no conflicts (2 of 4 stars). 2 submissions from 2 submitters: Uncertain significance (2). Last evaluated 2024-03-06.

Conditions:
Cardiomyopathy (CMYO). Also called: Cardiomyopathies. Identifiers: Orphanet 167848, MedGen C0878544, MONDO:0004994, HP:0001638. Inheritance: Various modes of inheritance.
Arrhythmogenic right ventricular dysplasia 11. Also called: Arrhythmogenic right ventricular dysplasia 11 with mild palmoplantar keratoderma and woolly hair; Arrhythmogenic Right Ventricular Dysplasia/Cardiomyopathy11; ARRHYTHMOGENIC RIGHT VENTRICULAR DYSPLASIA, FAMILIAL, 11. Identifiers: MedGen C1864850, MONDO:0012506, OMIM 610476.

Allele frequency attached by ClinVar (database versions not stated): TOPMed 0.00001.

Submissions (2):

Color Diagnostics, LLC DBA Color Health
Classification: Uncertain significance for Cardiomyopathy. Last evaluated: 2024-03-06. Review status: criteria provided, single submitter. Criteria: ACMG Guidelines, 2015. Collection method: clinical testing. Allele origin: germline.
Comment: This missense variant replaces threonine with isoleucine at codon 222 of the DSC2 protein. Computational prediction suggests that this variant may not impact protein structure and function (internally defined REVEL score threshold <= 0.5, PMID: 27666373). To our knowledge, functional studies have not been reported for this variant. This variant has not been reported in individuals affected with cardiovascular disorders in the literature. This variant has not been identified in the general population by the Genome Aggregation Database (gnomAD). The available evidence is insufficient to determine the role of this variant in disease conclusively. Therefore, this variant is classified as a Variant of Uncertain Significance.

Labcorp Genetics (formerly Invitae), Labcorp
Classification: Uncertain significance for Arrhythmogenic right ventricular dysplasia 11. Last evaluated: 2022-10-17. Review status: criteria provided, single submitter. Criteria: Invitae Variant Classification Sherloc (09022015). Collection method: clinical testing. Allele origin: germline.
Comment: This sequence change replaces threonine, which is neutral and polar, with isoleucine, which is neutral and non-polar, at codon 222 of the DSC2 protein (p.Thr222Ile). This variant is not present in population databases (gnomAD no frequency). This variant has not been reported in the literature in individuals affected with DSC2-related conditions. ClinVar contains an entry for this variant (Variation ID: 1332570). Advanced modeling of protein sequence and biophysical properties (such as structural, functional, and spatial information, amino acid conservation, physicochemical variation, residue mobility, and thermodynamic stability) performed at Invitae indicates that this missense variant is not expected to disrupt DSC2 protein function. In summary, the available evidence is currently insufficient to determine the role of this variant in disease. Therefore, it has been classified as a Variant of Uncertain Significance.